The following is an entry in ClinVar:

NM_001365276.2(TNXB):c.3034G>A (p.Val1012Ile)

Gene: TNXB (tenascin XB; minus strand). Cytogenetic location: 6p21.33.
Variant type: single nucleotide variant.
Coding change: c.3034G>A on transcript NM_001365276.2 (MANE Select); coding-DNA position 3034, G replaced by A.
Protein change: p.Val1012Ile; replaces valine 1012 with isoleucine.
Molecular consequence: missense variant.
Genome position (GRCh38, 1-based): chr6:32,085,864, C>T on the plus strand (G>A on the coding strand, the complement: TNXB is on the minus strand). VCF-style: chr6-32085864-C-T. GRCh37 (hg19) VCF-style: chr6-32053641-C-T.
Other names: c.3034G>A, p.Val1012Ile (NM_019105.8); short protein forms V1012I.
Identifiers: ClinVar variation 1050758 (VCV001050758.12), dbSNP rs751045102, ClinGen allele CA3735265.

ClinVar aggregate classification (germline): Conflicting classifications of pathogenicity. Review status: criteria provided, conflicting classifications (1 of 4 stars). 6 submissions from 6 submitters: Uncertain significance (3); Likely benign (2). 1 of the submissions does not count toward it. Last evaluated 2025-04-16.

Conditions:
Vesicoureteral reflux 8 (VUR8). Identifiers: Orphanet 289365, MedGen C4014831, MONDO:0014422, OMIM 615963.
Ehlers-Danlos syndrome due to tenascin-X deficiency (EDSCLL1). Also called: EDS DUE TO TNX DEFICIENCY; TNX DEFICIENCY; TNXB-Related Classical-Like Ehlers-Danlos Syndrome; EHLERS-DANLOS SYNDROME, CLASSIC-LIKE; Ehlers-Danlos syndrome, classic-like, 1. Identifiers: Orphanet 230839, MedGen C1848029, MONDO:0011670, OMIM 606408.
Cardiovascular phenotype. Identifiers: MedGen CN230736.
Ehlers-Danlos syndrome (EDS). Identifiers: Orphanet 98249, MedGen C0013720, MONDO:0020066.

Allele frequency attached by ClinVar (database versions not stated): gnomAD 0.00001 and 0.00005; TOPMed 0.00002; ExAC 0.00018; gnomAD exomes 0.00018.
gnomAD v4.1: 205 of 1,608,620 alleles (0.013%); highest among the groups gnomAD compares: South Asian, 0.11%; no homozygotes.

Submissions (6):

Women's Health and Genetics/Laboratory Corporation of America, LabCorp
Classification: Likely benign. Last evaluated: 2025-04-16. Review status: criteria provided, single submitter. Criteria: LabCorp Variant Classification Summary - May 2015. Collection method: clinical testing. Allele origin: germline.
Comment: Variant summary: TNXB c.3034G>A (p.Val1012Ile) results in a conservative amino acid change in the encoded protein sequence. Four of four in-silico tools predict a benign effect of the variant on protein function. The variant allele was found at a frequency of 0.00018 in 243702 control chromosomes, predominantly at a frequency of 0.0013 within the South Asian subpopulation in the gnomAD database. The observed variant frequency within South Asian control individuals in the gnomAD database is approximately 1.16 fold of the estimated maximal expected allele frequency for a pathogenic variant in TNXB causing Ehlers-Danlos syndrome due to tenascin-X deficiency phenotype (0.0011). To our knowledge, no occurrence of c.3034G>A in individuals affected with Ehlers-Danlos syndrome due to tenascin-X deficiency and no experimental evidence demonstrating its impact on protein function have been reported. ClinVar contains an entry for this variant (Variation ID: 1050758). Based on the evidence outlined above, the variant was classified as likely benign.

Ambry Genetics
Classification: Likely benign for Cardiovascular phenotype. Last evaluated: 2025-03-27. Review status: criteria provided, single submitter. Criteria: Ambry Variant Classification Scheme 2023. Collection method: clinical testing. Allele origin: germline.

GeneDx
Classification: Uncertain significance. Last evaluated: 2022-07-18. Review status: criteria provided, single submitter. Criteria: GeneDx Variant Classification Process June 2021. Collection method: clinical testing. Allele origin: germline. Affected: yes.
Comment: In silico analysis supports that this missense variant does not alter protein structure/function; Has not been previously published as pathogenic or benign to our knowledge

Fulgent Genetics
Classification: Uncertain significance for Ehlers-Danlos syndrome due to tenascin-X deficiency; Vesicoureteral reflux 8. Last evaluated: 2022-01-27. Review status: criteria provided, single submitter. Criteria: ACMG Guidelines, 2015. Collection method: clinical testing. Allele origin: unknown.

Genome Diagnostics Laboratory, The Hospital for Sick Children
Classification: Uncertain significance for Ehlers-Danlos syndrome. Last evaluated: 2019-02-01. Review status: criteria provided, single submitter. Criteria: ACMG Guidelines, 2015. Collection method: clinical testing. Allele origin: germline.

Department of Pathology and Laboratory Medicine, Sinai Health System
Classification: Uncertain significance. Review status: no assertion criteria provided. Collection method: clinical testing. Allele origin: unknown. Affected: yes. Study: The Canadian Open Genetics Repository (COGR). Not counted in ClinVar's aggregate classification.
Comment: The TNXB p.V1012I variant was not identified in the literature nor was it identified in ClinVar. The variant was identified in dbSNP (ID: rs751045102) and in control databases in 45 of 243702 chromosomes at a frequency of 0.0001847 (Genome Aggregation Database March 6, 2019, v2.1.1). The p.V1012 residue is not conserved in mammals and computational analyses (MUT Assesor, PolyPhen-2, SIFT, MutationTaster, Revel, FATHMM, MetaLR, DANN) do not suggest a high likelihood of impact to the protein; this information is not predictive enough to rule out pathogenicity. The variant occurs outside of the splicing consensus sequence and in silico or computational prediction software programs (Splice AI exome) do not predict a deleterious effect on splicing. In summary, based on the above information the clinical significance of this variant cannot be determined with certainty at this time. This variant is classified as a variant of uncertain significance.